The following is an entry in ClinVar:

NM_004525.3(LRP2):c.2813G>A (p.Arg938Gln)

Gene: LRP2 (LDL receptor related protein 2; minus strand). Cytogenetic location: 2q31.1.
Variant type: single nucleotide variant.
Coding change: c.2813G>A on transcript NM_004525.3 (MANE Select); coding-DNA position 2813, G replaced by A.
Protein change: p.Arg938Gln; replaces arginine 938 with glutamine.
Molecular consequence: missense variant.
Genome position (GRCh38, 1-based): chr2:169,247,473, C>T on the plus strand (G>A on the coding strand, the complement: LRP2 is on the minus strand). VCF-style: chr2-169247473-C-T. GRCh37 (hg19) VCF-style: chr2-170103983-C-T.
Other names: short protein forms R938Q.
Identifiers: ClinVar variation 894301 (VCV000894301.24), dbSNP rs372927481, ClinGen allele CA1955203.

ClinVar aggregate classification (germline): Conflicting classifications of pathogenicity. Review status: criteria provided, conflicting classifications (1 of 4 stars). 6 submissions from 6 submitters: Uncertain significance (5); Likely benign (1). Last evaluated 2025-12-28.

Conditions:
Inborn genetic diseases. Identifiers: MedGen C0950123, MeSH D030342.
Donnai-Barrow syndrome. Also called: DBS/FOAR SYNDROME; FACIOOCULOACOUSTICORENAL SYNDROME. Identifiers: Orphanet 2143, MedGen C1857277, MONDO:0009104, OMIM 222448.

Allele frequency attached by ClinVar (database versions not stated): gnomAD 0.00004 and 0.00005; TOPMed 0.00007; ESP Exome Variant Server 0.00008; gnomAD exomes 0.00008 and 0.00014; 1000 Genomes Project 30x 0.00016; ExAC 0.00016; 1000 Genomes Project 0.00020.
gnomAD v4.1: 131 of 1,614,112 alleles (0.0081%); highest among the groups gnomAD compares: Middle Eastern, 0.12%; no homozygotes.

Submissions (7):

Labcorp Genetics (formerly Invitae), Labcorp
Classification: Likely benign. Last evaluated: 2025-12-28. Review status: criteria provided, single submitter. Criteria: Invitae Variant Classification Sherloc (09022015). Collection method: clinical testing. Allele origin: germline.

CeGaT Center for Human Genetics Tuebingen
Classification: Uncertain significance. Last evaluated: 2025-11-01. Review status: criteria provided, single submitter. Criteria: CeGaT Center For Human Genetics Tuebingen Variant Classification Criteria Version 2. Collection method: clinical testing. Allele origin: germline. Affected: yes. Observed: 1 variant allele.

Ambry Genetics
Classification: Uncertain significance for Inborn genetic diseases. Last evaluated: 2025-09-05. Review status: criteria provided, single submitter. Criteria: Ambry Variant Classification Scheme 2023. Collection method: clinical testing. Allele origin: germline.

GeneDx
Classification: Uncertain significance. Last evaluated: 2022-06-14. Review status: criteria provided, single submitter. Criteria: GeneDx Variant Classification Process June 2021. Collection method: clinical testing. Allele origin: germline. Affected: yes.
Comment: In silico analysis supports that this missense variant has a deleterious effect on protein structure/function; Has not been previously published as pathogenic or benign to our knowledge

Genome-Nilou Lab
Classification: Uncertain significance for Donnai-Barrow syndrome. Last evaluated: 2021-07-15. Review status: criteria provided, single submitter. Criteria: ACMG Guidelines, 2015. Collection method: clinical testing. Allele origin: germline. Affected: no.

Illumina Laboratory Services, Illumina
Classification: Uncertain significance for Donnai-Barrow syndrome. Last evaluated: 2018-03-30. Review status: criteria provided, single submitter. Criteria: ICSL Variant Classification Criteria 13 December 2019. Collection method: clinical testing. Allele origin: germline.

Dr. Peter K. Rogan Lab, Western University
No classification provided (evidence only). Condition: Clear cell carcinoma of kidney. Review status: no classification provided. Collection method: in vitro. Allele origin: not applicable. Functional consequence: retained intron. Not counted in ClinVar's aggregate classification.